The following is an entry in ClinVar:

ClinVar aggregate classification (germline): Likely benign (0 of 4 stars; one submission).

Conditions:
ARSD-related disorder. Also called: ARSD-related condition.

gnomAD v4.1: 29 of 1,208,170 alleles (0.0024%); highest among the groups gnomAD compares: South Asian, 0.0071%; no homozygotes.

Submission:

PreventionGenetics, part of Exact Sciences
Classification: Likely benign for ARSD-related condition. Last evaluated: 2020-07-31. Review status: no assertion criteria provided. Collection method: clinical testing. Allele origin: germline.
Comment: This variant is classified as likely benign based on ACMG/AMP sequence variant interpretation guidelines (Richards et al. 2015 PMID: 25741868, with internal and published modifications).

NM_001669.4(ARSD):c.667T>A (p.Phe223Ile)

Gene: ARSD (arylsulfatase D; minus strand). Cytogenetic location: Xp22.33.
Variant type: single nucleotide variant.
Coding change: c.667T>A on transcript NM_001669.4 (MANE Select); coding-DNA position 667, T replaced by A.
Protein change: p.Phe223Ile; replaces phenylalanine 223 with isoleucine.
Molecular consequence: missense variant.
Genome position (GRCh38, 1-based): chrX:2,918,000, A>T on the plus strand (T>A on the coding strand, the complement: ARSD is on the minus strand). VCF-style: chrX-2918000-A-T. GRCh37 (hg19) VCF-style: chrX-2836041-A-T.
Other names: c.667T>A, p.Phe223Ile (NM_009589.5); short protein forms F223I.
Identifiers: ClinVar variation 3059571 (VCV003059571.2), dbSNP rs67272620, ClinGen allele CA10337739.